The following is an entry in ClinVar:

NM_005633.4(SOS1):c.864+3A>G

Gene: SOS1 (SOS Ras/Rac guanine nucleotide exchange factor 1; minus strand). Cytogenetic location: 2p22.1.
Variant type: single nucleotide variant.
Coding change: c.864+3A>G on transcript NM_005633.4 (MANE Select); 3 bases into the intron after coding-DNA position 864, A replaced by G.
Molecular consequence: intron variant.
Genome position (GRCh38, 1-based): chr2:39,051,141, T>C on the plus strand (A>G on the coding strand, the complement: SOS1 is on the minus strand). VCF-style: chr2-39051141-T-C. GRCh37 (hg19) VCF-style: chr2-39278282-T-C.
Other names: c.843+3A>G (NM_001382394.1); c.864+3A>G (NM_001382395.1).
Identifiers: ClinVar variation 1426861 (VCV001426861.10), dbSNP rs201119821, ClinGen allele CA1624717.

ClinVar aggregate classification (germline): Uncertain significance. Review status: criteria provided, multiple submitters, no conflicts (2 of 4 stars). 4 submissions from 3 submitters: Uncertain significance (4). Last evaluated 2025-07-11.

Conditions:
Fibromatosis, gingival, 1 (GINGF1). Identifiers: Orphanet 2024, MedGen C4551558, MONDO:0007609, OMIM 135300.
Noonan syndrome 4 (NS4). Also called: SOS1-Related Noonan Syndrome; NOONAN SYNDROME WITH PIGMENTED VILLONODULAR SYNOVITIS. Identifiers: Orphanet 648, MedGen C1853120, MONDO:0012547, OMIM 610733.
Cardiovascular phenotype. Identifiers: MedGen CN230736.
RASopathy. Also called: Noonan spectrum disorder; rasopathies. Identifiers: Orphanet 536391, MedGen C5555857, MONDO:0021060.

Allele frequency attached by ClinVar (database versions not stated): gnomAD exomes below 0.00001 and 0.00003; ExAC 0.00001; gnomAD 0.00001 and 0.00002; TOPMed 0.00002; 1000 Genomes Project 30x 0.00016; 1000 Genomes Project 0.00020.
gnomAD v4.1: 39 of 1,613,426 alleles (0.0024%); highest among the groups gnomAD compares: Non-Finnish European, 0.0032%; no homozygotes.

Submissions (4):

Ambry Genetics
Classification: Uncertain significance for Cardiovascular phenotype. Last evaluated: 2025-07-11. Review status: criteria provided, single submitter. Criteria: Ambry Variant Classification Scheme 2023. Collection method: clinical testing. Allele origin: germline.
Comment: The c.864+3A>G intronic variant results from an A to G substitution 3 nucleotides after coding exon 6 in the SOS1 gene. This nucleotide position is well conserved in available vertebrate species. In silico splice site analysis predicts that this alteration will not have any significant effect on splicing. Based on the available evidence, the clinical significance of this variant remains unclear.

Labcorp Genetics (formerly Invitae), Labcorp
Classification: Uncertain significance for RASopathy. Last evaluated: 2024-04-22. Review status: criteria provided, single submitter. Criteria: Invitae Variant Classification Sherloc (09022015). Collection method: clinical testing. Allele origin: germline.
Comment: This sequence change falls in intron 6 of the SOS1 gene. It does not directly change the encoded amino acid sequence of the SOS1 protein. It affects a nucleotide within the consensus splice site. This variant is present in population databases (rs201119821, gnomAD 0.002%). This variant has not been reported in the literature in individuals affected with SOS1-related conditions. ClinVar contains an entry for this variant (Variation ID: 1426861). Variants that disrupt the consensus splice site are a relatively common cause of aberrant splicing (PMID: 17576681, 9536098). Algorithms developed to predict the effect of sequence changes on RNA splicing suggest that this variant is not likely to affect RNA splicing. In summary, the available evidence is currently insufficient to determine the role of this variant in disease. Therefore, it has been classified as a Variant of Uncertain Significance.

Genome-Nilou Lab
Classification: Uncertain significance for Noonan syndrome 4. Review status: criteria provided, single submitter. Criteria: ACMG Guidelines, 2015. Collection method: clinical testing. Allele origin: germline.

Genome-Nilou Lab
Classification: Uncertain significance for Fibromatosis, gingival, 1. Review status: criteria provided, single submitter. Criteria: ACMG Guidelines, 2015. Collection method: clinical testing. Allele origin: germline.

Literature cited by the submitters: PubMed 17576681 (cited by Labcorp Genetics (formerly Invitae), Labcorp); PubMed 9536098 (cited by Labcorp Genetics (formerly Invitae), Labcorp).